The following is an entry in ClinVar:

ClinVar aggregate classification (germline): Uncertain significance (1 of 4 stars; one submission).

Conditions:
MASTL-related disorder. Also called: MASTL-related condition.

Submission:

PreventionGenetics, part of Exact Sciences
Classification: Uncertain significance for MASTL-related condition. Last evaluated: 2025-07-31. Review status: criteria provided, single submitter. Criteria: ACMG Guidelines, 2015. Collection method: clinical testing. Allele origin: germline.
Comment: The MASTL c.2464A>G variant is predicted to result in the amino acid substitution p.Arg822Gly. To our knowledge, this variant has not been reported in the literature or in a large population database (gnomAD), indicating this variant is rare. At this time, the clinical significance of this variant is uncertain due to the absence of conclusive functional and genetic evidence.

NM_001172303.3(MASTL):c.2467A>G (p.Arg823Gly)

Gene: MASTL (microtubule associated serine/threonine kinase like; plus strand). Cytogenetic location: 10p12.1.
Variant type: single nucleotide variant.
Coding change: c.2467A>G on transcript NM_001172303.3 (MANE Select); coding-DNA position 2467, A replaced by G.
Protein change: p.Arg823Gly; replaces arginine 823 with glycine.
Molecular consequence: missense variant. On other transcripts: non-coding transcript variant (1).
Genome position (GRCh38, 1-based): chr10:27,181,566, A>G. VCF-style: chr10-27181566-A-G. GRCh37 (hg19) VCF-style: chr10-27470495-A-G.
Other names: c.2350A>G, p.Arg784Gly (NM_001172304.3); c.2479A>G, p.Arg827Gly (NM_001320756.2); c.2482A>G, p.Arg828Gly (NM_001320757.2); c.1999A>G, p.Arg667Gly (NM_001372029.1); c.1984A>G, p.Arg662Gly (NM_001372030.1); c.2464A>G, p.Arg822Gly (NM_032844.5); short protein forms R667G, R784G, R823G, R828G, R662G, R827G, R822G.
Identifiers: ClinVar variation 4983600 (VCV004983600.1).
Genomic context (GRCh38, chr10:27,181,566, plus strand): 5'-AAGTTATCTGATAATGCTCAAAGTGCAGTAGAAATACTTTTAACCATTGATGATACAAAG[A>G]GAGCTGGAATGAAAGGTATGGTTTTGTGTTAATACATTGTTTTACCATTGATTTTTTGCA-3'
Protein context (NP_001165774.1, residues 813-833): EILLTIDDTK[Arg823Gly]AGMKELKRHP